The following is an entry in ClinVar:

NM_000093.5(COL5A1):c.3936C>A (p.Gly1312=)

Gene: COL5A1 (collagen type V alpha 1 chain; plus strand). Cytogenetic location: 9q34.3.
Variant type: single nucleotide variant.
Coding change: c.3936C>A on transcript NM_000093.5 (MANE Select); coding-DNA position 3936, C replaced by A.
Protein change: p.Gly1312=; no amino-acid change (glycine 1312 retained).
Molecular consequence: synonymous variant.
Genome position (GRCh38, 1-based): chr9:134,814,826, C>A. VCF-style: chr9-134814826-C-A. GRCh37 (hg19) VCF-style: chr9-137706672-C-A.
Other names: c.3936C>A, p.Gly1312= (NM_001278074.1).
Identifiers: ClinVar variation 700622 (VCV000700622.19), dbSNP rs367804791, ClinGen allele CA201090820.

ClinVar aggregate classification (germline): Likely benign. Review status: criteria provided, multiple submitters, no conflicts (2 of 4 stars). 5 submissions from 5 submitters: Likely benign (4). 1 of the submissions does not count toward it. Last evaluated 2025-11-17.

Conditions:
Familial thoracic aortic aneurysm and aortic dissection (TAAD). Also called: Thoracic aortic aneurysms and dissections. Identifiers: Orphanet 91387, MedGen C4707243, MONDO:0019625.
Ehlers-Danlos syndrome (EDS). Identifiers: Orphanet 98249, MedGen C0013720, MONDO:0020066.
Ehlers-Danlos syndrome, classic type, 1 (EDSCL1). Also called: EDS I; EHLERS-DANLOS SYNDROME, GRAVIS TYPE; EHLERS-DANLOS SYNDROME, SEVERE CLASSIC TYPE; Ehlers-Danlos Syndrome, Classic Type, COL5A1-Related; Ehlers-Danlos syndrome, type 1. Identifiers: MedGen C0268335, MONDO:0019567, OMIM 130000.
COL5A1-related disorder. Also called: COL5A1-related condition.

Allele frequency attached by ClinVar (database versions not stated): TOPMed 0.00008; 1000 Genomes Project 30x 0.00016; 1000 Genomes Project 0.00020.
gnomAD v4.1: 33 of 1,552,084 alleles (0.0021%); highest among the groups gnomAD compares: Admixed American, 0.0078%; no homozygotes.

Submissions (5):

Labcorp Genetics (formerly Invitae), Labcorp
Classification: Likely benign for Ehlers-Danlos syndrome, classic type, 1. Last evaluated: 2025-11-17. Review status: criteria provided, single submitter. Criteria: Invitae Variant Classification Sherloc (09022015). Collection method: clinical testing. Allele origin: germline.

Ambry Genetics
Classification: Likely benign for Familial thoracic aortic aneurysm and aortic dissection. Last evaluated: 2023-01-25. Review status: criteria provided, single submitter. Criteria: Ambry Variant Classification Scheme 2023. Collection method: clinical testing. Allele origin: germline.

Genome Diagnostics Laboratory, The Hospital for Sick Children
Classification: Likely benign for Ehlers-Danlos syndrome. Last evaluated: 2020-09-04. Review status: criteria provided, single submitter. Criteria: ACMG Guidelines, 2015. Collection method: clinical testing. Allele origin: germline.

GeneDx
Classification: Likely benign. Last evaluated: 2019-11-05. Review status: criteria provided, single submitter. Criteria: GeneDx Variant Classification Process June 2021. Collection method: clinical testing. Allele origin: germline. Affected: yes.

PreventionGenetics, part of Exact Sciences
Classification: Likely benign for COL5A1-related condition. Last evaluated: 2022-01-18. Review status: no assertion criteria provided. Collection method: clinical testing. Allele origin: germline. Not counted in ClinVar's aggregate classification.
Comment: This variant is classified as likely benign based on ACMG/AMP sequence variant interpretation guidelines (Richards et al. 2015 PMID: 25741868, with internal and published modifications).